The following is an entry in ClinVar:

NM_005006.7(NDUFS1):c.154-9_154-8del

Gene: NDUFS1 (NADH:ubiquinone oxidoreductase core subunit S1; minus strand). Cytogenetic location: 2q33.3.
Variant type: Deletion.
Coding change: c.154-9_154-8del on transcript NM_005006.7 (MANE Select); 9 bases into the intron before coding-DNA position 154 through 8 bases into the intron before coding-DNA position 154, 2 bases deleted (TA; older notation c.154-9_154-8delTA).
Molecular consequence: intron variant.
Genome position (GRCh38, 1-based): chr2:206,149,933-206,149,934, TA deleted on the plus strand (TA on the coding strand, the reverse complement: NDUFS1 is on the minus strand). VCF-style (leftmost placement, unchanged base first): chr2-206149932-GTA-G. GRCh37 (hg19) VCF-style: chr2-207014656-GTA-G.
Other names: c.6-2100_6-2099del (NM_001199982.2); c.-18-9_-18-8del (NM_001199983.2); c.154-838_154-837del (NM_001199981.2); c.196-9_196-8del (NM_001199984.2).
Identifiers: ClinVar variation 3349100 (VCV003349100.2).

ClinVar aggregate classification (germline): Likely benign. Review status: criteria provided, single submitter (1 of 4 stars). 2 submissions from 2 submitters: Likely benign (1). 1 of the submissions does not count toward it. Last evaluated 2026-01-27.

Conditions:
NDUFS1-related disorder. Also called: NDUFS1-related condition.

Submissions (2):

Labcorp Genetics (formerly Invitae), Labcorp
Classification: Likely benign. Last evaluated: 2026-01-27. Review status: criteria provided, single submitter. Criteria: Invitae Variant Classification Sherloc (09022015). Collection method: clinical testing. Allele origin: germline.

PreventionGenetics, part of Exact Sciences
Classification: Likely benign for NDUFS1-related condition. Last evaluated: 2024-07-09. Review status: no assertion criteria provided. Collection method: clinical testing. Allele origin: germline. Not counted in ClinVar's aggregate classification.
Comment: This variant is classified as likely benign based on ACMG/AMP sequence variant interpretation guidelines (Richards et al. 2015 PMID: 25741868, with internal and published modifications).